The following is an entry in ClinVar:

ClinVar aggregate classification (germline): Uncertain significance. Review status: criteria provided, multiple submitters, no conflicts (2 of 4 stars). 2 submissions from 2 submitters: Uncertain significance (2). Last evaluated 2025-03-11.

Conditions:
Anterior segment dysgenesis 3 (ASGD3). Also called: Glaucoma iridogoniodysplasia, familial; IRIDOGONIODYSGENESIS ANOMALY, AUTOSOMAL DOMINANT. Identifiers: Orphanet 91483, MedGen C5975707, MONDO:0024456, OMIM 601631.
Axenfeld-Rieger syndrome type 3 (RIEG3). Also called: AXENFELD-RIEGER ANOMALY WITH CARDIAC DEFECTS AND/OR SENSORINEURAL HEARING LOSS. Identifiers: Orphanet 782, MedGen C2678503, MONDO:0011233, OMIM 602482.

Allele frequency attached by ClinVar (database versions not stated): gnomAD exomes 0.00003; TOPMed 0.00006; gnomAD 0.00007.

Submissions (2):

Labcorp Genetics (formerly Invitae), Labcorp
Classification: Uncertain significance for Axenfeld-Rieger syndrome type 3. Last evaluated: 2025-03-11. Review status: criteria provided, single submitter. Criteria: Invitae Variant Classification Sherloc (09022015). Collection method: clinical testing. Allele origin: germline.
Comment: This sequence change replaces glycine, which is neutral and non-polar, with arginine, which is basic and polar, at codon 270 of the FOXC1 protein (p.Gly270Arg). The frequency data for this variant in the population databases is considered unreliable, as metrics indicate poor data quality at this position in the gnomAD database. This variant has not been reported in the literature in individuals affected with FOXC1-related conditions. ClinVar contains an entry for this variant (Variation ID: 1431367). An algorithm developed to predict the effect of missense changes on protein structure and function (PolyPhen-2) suggests that this variant is likely to be disruptive. In summary, the available evidence is currently insufficient to determine the role of this variant in disease. Therefore, it has been classified as a Variant of Uncertain Significance.

Fulgent Genetics
Classification: Uncertain significance for Anterior segment dysgenesis 3; Axenfeld-Rieger syndrome type 3. Last evaluated: 2022-04-22. Review status: criteria provided, single submitter. Criteria: ACMG Guidelines, 2015. Collection method: clinical testing. Allele origin: unknown.

NM_001453.3(FOXC1):c.808G>C (p.Gly270Arg)

Gene: FOXC1 (forkhead box C1; plus strand). Cytogenetic location: 6p25.3.
Variant type: single nucleotide variant.
Coding change: c.808G>C on transcript NM_001453.3 (MANE Select); coding-DNA position 808, G replaced by C.
Protein change: p.Gly270Arg; replaces glycine 270 with arginine.
Molecular consequence: missense variant.
Genome position (GRCh38, 1-based): chr6:1,611,253, G>C. VCF-style: chr6-1611253-G-C. GRCh37 (hg19) VCF-style: chr6-1611488-G-C.
Other names: short protein forms G270R.
Identifiers: ClinVar variation 1431367 (VCV001431367.7), dbSNP rs901581290, ClinGen allele CA133390625.
Genomic context (GRCh38, chr6:1,611,253, plus strand): 5'-AGCGCCGCCGCGGTGCCCAAGATCGAGAGCCCCGACAGCAGCAGCAGCAGCCTGTCCAGC[G>C]GGAGCAGCCCCCCGGGCAGCCTGCCGTCGGCGCGGCCGCTCAGCCTGGACGGTGCGGATT-3'
Protein context (NP_001444.2, residues 260-280): PDSSSSSLSS[Gly270Arg]SSPPGSLPSA